The following is an entry in ClinVar:

ClinVar aggregate classification (germline): Uncertain significance. Review status: criteria provided, multiple submitters, no conflicts (2 of 4 stars). 2 submissions from 2 submitters: Uncertain significance (2). Last evaluated 2022-07-19.

Conditions:
Developmental and epileptic encephalopathy, 42 (DEE42A). Also called: DEVELOPMENTAL AND EPILEPTIC ENCEPHALOPATHY 42A; EPILEPTIC ENCEPHALOPATHY, EARLY INFANTILE, 42A; Epileptic encephalopathy, early infantile, 42. Identifiers: MedGen C4310716, MONDO:0014917, OMIM 617106.
Episodic ataxia type 2 (EA2). Also called: ATAXIA, EPISODIC, WITH NYSTAGMUS; ATAXIA, FAMILIAL PAROXYSMAL; CEREBELLAR ATAXIA, PAROXYSMAL, ACETAZOLAMIDE-RESPONSIVE; ACETAZOLAMIDE-RESPONSIVE HEREDITARY PAROXYSMAL CEREBELLAR ATAXIA; CEREBELLOPATHY, HEREDITARY PAROXYSMAL; EPISODIC ATAXIA, NYSTAGMUS-ASSOCIATED. Identifiers: Orphanet 97, MedGen C1720416, MONDO:0007163, OMIM 108500.

Allele frequency attached by ClinVar (database versions not stated): gnomAD 0.00002; gnomAD exomes 0.00001.
gnomAD v4.1: 7 of 1,542,124 alleles (0.00045%); highest among the groups gnomAD compares: Middle Eastern, 0.017%; no homozygotes.

Submissions (2):

Labcorp Genetics (formerly Invitae), Labcorp
Classification: Uncertain significance for Developmental and epileptic encephalopathy, 42; Episodic ataxia type 2. Last evaluated: 2022-07-19. Review status: criteria provided, single submitter. Criteria: Invitae Variant Classification Sherloc (09022015). Collection method: clinical testing. Allele origin: germline.
Comment: This sequence change replaces aspartic acid, which is acidic and polar, with asparagine, which is neutral and polar, at codon 1017 of the CACNA1A protein (p.Asp1017Asn). In summary, the available evidence is currently insufficient to determine the role of this variant in disease. Therefore, it has been classified as a Variant of Uncertain Significance. Advanced modeling of protein sequence and biophysical properties (such as structural, functional, and spatial information, amino acid conservation, physicochemical variation, residue mobility, and thermodynamic stability) performed at Invitae indicates that this missense variant is not expected to disrupt CACNA1A protein function. ClinVar contains an entry for this variant (Variation ID: 949611). This variant has not been reported in the literature in individuals affected with CACNA1A-related conditions. This variant is not present in population databases (gnomAD no frequency).

GeneDx
Classification: Uncertain significance. Last evaluated: 2022-07-08. Review status: criteria provided, single submitter. Criteria: GeneDx Variant Classification Process June 2021. Collection method: clinical testing. Allele origin: germline. Affected: yes.
Comment: Not observed at significant frequency in large population cohorts (gnomAD); In silico analysis supports that this missense variant does not alter protein structure/function; Has not been previously published as pathogenic or benign to our knowledge

NM_001127222.2(CACNA1A):c.3046G>A (p.Asp1016Asn)

Gene: CACNA1A (calcium voltage-gated channel subunit alpha1 A; minus strand). Cytogenetic location: 19p13.13.
Variant type: single nucleotide variant.
Coding change: c.3046G>A on transcript NM_001127222.2 (MANE Select); coding-DNA position 3046, G replaced by A.
Protein change: p.Asp1016Asn; replaces aspartic acid 1016 with asparagine.
Molecular consequence: missense variant.
Genome position (GRCh38, 1-based): chr19:13,298,587, C>T on the plus strand (G>A on the coding strand, the complement: CACNA1A is on the minus strand). VCF-style: chr19-13298587-C-T. GRCh37 (hg19) VCF-style: chr19-13409401-C-T.
Other names: c.3058G>A, p.Asp1020Asn (NM_000068.4, NM_023035.3); c.3049G>A, p.Asp1017Asn (NM_001127221.2, NM_001174080.2); short protein forms D1017N, D1016N, D1020N.
Identifiers: ClinVar variation 949611 (VCV000949611.11), dbSNP rs2057719269, ClinGen allele CA404342187.